The following is an entry in ClinVar:

ClinVar aggregate classification (germline): Uncertain significance (1 of 4 stars; one submission).

Submission:

GeneDx
Classification: Uncertain significance. Last evaluated: 2026-03-15. Review status: criteria provided, single submitter. Criteria: GeneDx Variant Classification Process June 2021. Collection method: clinical testing. Allele origin: germline.
Comment: Reported as de novo in an individual with autism spectrum disorder, however, detailed clinical and segregation information was not provided (PMID: 35982159); In silico analysis supports that this missense variant has a deleterious effect on protein structure/function; Not observed at significant frequency in large population cohorts (gnomAD); In silico analysis is inconclusive as to whether the variant alters gene splicing. In the absence of RNA/functional studies, the actual effect of this sequence change is unknown.; This variant is associated with the following publications: (PMID: 35982159)

NM_006015.6(ARID1A):c.3541A>G (p.Arg1181Gly)

Genes: ARID1A (AT-rich interaction domain 1A; plus strand), LOC126805670 (CDK7 strongly-dependent group 2 enhancer GRCh37_chr1:27098665-27099864; plus strand). Cytogenetic location: 1p36.11.
Variant type: single nucleotide variant.
Coding change: c.3541A>G on transcript NM_006015.6 (MANE Select); coding-DNA position 3541, A replaced by G.
Protein change: p.Arg1181Gly; replaces arginine 1181 with glycine.
Molecular consequence: missense variant.
Genome position (GRCh38, 1-based): chr1:26,772,813, A>G. VCF-style: chr1-26772813-A-G. GRCh37 (hg19) VCF-style: chr1-27099304-A-G.
Other names: c.3541A>G, p.Arg1181Gly (NM_139135.4); short protein forms R1181G.
Identifiers: ClinVar variation 4976680 (VCV004976680.1).